The following is an entry in ClinVar:

NM_144670.6(A2ML1):c.1081-2A>G

Gene: A2ML1 (alpha-2-macroglobulin like 1; plus strand). Cytogenetic location: 12p13.31.
Variant type: single nucleotide variant.
Coding change: c.1081-2A>G on transcript NM_144670.6 (MANE Select); the canonical splice acceptor site of the intron before coding-DNA position 1081, A replaced by G.
Molecular consequence: splice acceptor variant.
Genome position (GRCh38, 1-based): chr12:8,841,367, A>G. VCF-style: chr12-8841367-A-G. GRCh37 (hg19) VCF-style: chr12-8993963-A-G.
Identifiers: ClinVar variation 1020416 (VCV001020416.10), dbSNP rs377270924, ClinGen allele CA6435548.

ClinVar aggregate classification (germline): Conflicting classifications of pathogenicity. Review status: criteria provided, conflicting classifications (1 of 4 stars). 3 submissions from 3 submitters: Uncertain significance (2); Likely benign (1). Last evaluated 2025-12-23.

Allele frequency attached by ClinVar (database versions not stated): ExAC 0.00002; gnomAD exomes 0.00002; gnomAD 0.00003 and 0.00004; TOPMed 0.00007; ESP Exome Variant Server 0.00008.
gnomAD v4.1: 14 of 1,613,386 alleles (0.00087%); highest among the groups gnomAD compares: Middle Eastern, 0.016%; no homozygotes.

Submissions (3):

Labcorp Genetics (formerly Invitae), Labcorp
Classification: Uncertain significance. Last evaluated: 2025-12-23. Review status: criteria provided, single submitter. Criteria: Invitae Variant Classification Sherloc (09022015). Collection method: clinical testing. Allele origin: germline.
Comment: This sequence change affects an acceptor splice site in intron 10 of the A2ML1 gene. It is expected to disrupt RNA splicing. Variants that disrupt the donor or acceptor splice site typically lead to a loss of protein function (PMID: 16199547), however the current clinical and genetic evidence is not sufficient to establish whether loss-of-function variants in A2ML1 cause disease. This variant is present in population databases (rs377270924, gnomAD 0.03%). This variant has not been reported in the literature in individuals affected with A2ML1-related conditions. ClinVar contains an entry for this variant (Variation ID: 1020416). Algorithms developed to predict the effect of sequence changes on RNA splicing suggest that this variant may disrupt the consensus splice site. In summary, the available evidence is currently insufficient to determine the role of this variant in disease. Therefore, it has been classified as a Variant of Uncertain Significance.

Women's Health and Genetics/Laboratory Corporation of America, LabCorp
Classification: Uncertain significance. Last evaluated: 2024-08-19. Review status: criteria provided, single submitter. Criteria: LabCorp Variant Classification Summary - May 2015. Collection method: clinical testing. Allele origin: germline.
Comment: Variant summary: A2ML1 c.1081-2A>G is located in a canonical splice-site and is predicted to affect mRNA splicing resulting in a significantly altered protein due to either exon skipping, shortening, or inclusion of intronic material. Variants that disrupt the consensus splice site are a relatively common cause of aberrant splicing, however current evidence is not sufficient to establish loss of function as a mechanism for disease. Several computational tools predict a significant impact on normal splicing: Four predict the variant abolishes a canonical 3' acceptor site. However, these predictions have yet to be confirmed by functional studies. The variant allele was found at a frequency of 2.4e-05 in 248740 control chromosomes (gnomAD). The available data on variant occurrences in the general population are insufficient to allow any conclusion about variant significance. To our knowledge, no occurrence of c.1081-2A>G in individuals affected with Noonan Syndrome and no experimental evidence demonstrating its impact on protein function have been reported. ClinVar contains an entry for this variant (Variation ID: 1020416). Based on the evidence outlined above, the variant was classified as uncertain significance.

Blueprint Genetics
Classification: Likely benign. Last evaluated: 2018-02-23. Review status: criteria provided, single submitter. Criteria: ACMG Guidelines, 2015. Collection method: clinical testing. Allele origin: germline.

Literature cited by the submitters: PubMed 16199547 (cited by Labcorp Genetics (formerly Invitae), Labcorp).